The following is an entry in ClinVar:

NM_000083.3(CLCN1):c.2461A>C (p.Ile821Leu)

Gene: CLCN1 (chloride voltage-gated channel 1; plus strand). Cytogenetic location: 7q34.
Variant type: single nucleotide variant.
Coding change: c.2461A>C on transcript NM_000083.3 (MANE Select); coding-DNA position 2461, A replaced by C.
Protein change: p.Ile821Leu; replaces isoleucine 821 with leucine.
Molecular consequence: missense variant. On other transcripts: non-coding transcript variant (1).
Genome position (GRCh38, 1-based): chr7:143,350,429, A>C. VCF-style: chr7-143350429-A-C. GRCh37 (hg19) VCF-style: chr7-143047522-A-C.
Other names: c.2461A>C (NM_000083.2); short protein forms I821L.
Identifiers: ClinVar variation 2931416 (VCV002931416.4), dbSNP rs1803361342, ClinGen allele CA369652592.

ClinVar aggregate classification (germline): Uncertain significance. Review status: criteria provided, multiple submitters, no conflicts (2 of 4 stars). 2 submissions from 2 submitters: Uncertain significance (2). Last evaluated 2025-04-16.

Conditions:
Congenital myotonia, autosomal dominant form (THD). Also called: THOMSEN DISEASE; Myotonia congenita autosomal dominant. Identifiers: Orphanet 614, MedGen C2936781, MONDO:0008055, OMIM 160800.
Congenital myotonia, autosomal recessive form. Also called: BECKER DISEASE; Becker Generalized Myotonia; myotonia congenita, autosomal recessive. Identifiers: Orphanet 614, MedGen C0751360, MONDO:0009715, OMIM 255700.
Inborn genetic diseases. Identifiers: MedGen C0950123, MeSH D030342.

Submissions (2):

Ambry Genetics
Classification: Uncertain significance for Inborn genetic diseases. Last evaluated: 2025-04-16. Review status: criteria provided, single submitter. Criteria: Ambry Variant Classification Scheme 2023. Collection method: clinical testing. Allele origin: germline.

Labcorp Genetics (formerly Invitae), Labcorp
Classification: Uncertain significance for Congenital myotonia, autosomal recessive form; Congenital myotonia, autosomal dominant form. Last evaluated: 2023-01-10. Review status: criteria provided, single submitter. Criteria: Invitae Variant Classification Sherloc (09022015). Collection method: clinical testing. Allele origin: germline.
Comment: In summary, the available evidence is currently insufficient to determine the role of this variant in disease. Therefore, it has been classified as a Variant of Uncertain Significance. Advanced modeling of protein sequence and biophysical properties (such as structural, functional, and spatial information, amino acid conservation, physicochemical variation, residue mobility, and thermodynamic stability) has been performed at Invitae for this missense variant, however the output from this modeling did not meet the statistical confidence thresholds required to predict the impact of this variant on CLCN1 protein function. This variant has not been reported in the literature in individuals affected with CLCN1-related conditions. This variant is not present in population databases (gnomAD no frequency). This sequence change replaces isoleucine, which is neutral and non-polar, with leucine, which is neutral and non-polar, at codon 821 of the CLCN1 protein (p.Ile821Leu).